The following is an entry in ClinVar:

ClinVar aggregate classification (germline): Uncertain significance (1 of 4 stars; one submission).

Submission:

Labcorp Genetics (formerly Invitae), Labcorp
Classification: Uncertain significance. Last evaluated: 2025-03-05. Review status: criteria provided, single submitter. Criteria: Invitae Variant Classification Sherloc (09022015). Collection method: clinical testing. Allele origin: germline.
Comment: This sequence change replaces aspartic acid, which is acidic and polar, with histidine, which is basic and polar, at codon 51 of the DMRT2 protein (p.Asp51His). This variant is not present in population databases (gnomAD no frequency). This variant has not been reported in the literature in individuals affected with DMRT2-related conditions. An algorithm developed to predict the effect of missense changes on protein structure and function (PolyPhen-2) suggests that this variant is likely to be disruptive. In summary, the available evidence is currently insufficient to determine the role of this variant in disease. Therefore, it has been classified as a Variant of Uncertain Significance.

NM_181872.6(DMRT2):c.151G>C (p.Asp51His)

Gene: DMRT2 (doublesex and mab-3 related transcription factor 2; plus strand). Cytogenetic location: 9p24.3.
Variant type: single nucleotide variant.
Coding change: c.151G>C on transcript NM_181872.6 (MANE Select); coding-DNA position 151, G replaced by C.
Protein change: p.Asp51His; replaces aspartic acid 51 with histidine.
Molecular consequence: missense variant. On other transcripts: 5 prime UTR variant (1), non-coding transcript variant (1).
Genome position (GRCh38, 1-based): chr9:1,051,764, G>C. VCF-style: chr9-1051764-G-C. GRCh37 (hg19) VCF-style: chr9-1051764-G-C.
Other names: c.151G>C, p.Asp51His (NM_001130865.3, NM_001370531.1, NM_001370533.1 and 4 more transcripts); c.-500G>C (NM_001370532.1); short protein forms D51H.
Identifiers: ClinVar variation 4798804 (VCV004798804.1).